The following is an entry in ClinVar:

NM_001458.5(FLNC):c.913G>A (p.Ala305Thr)

Gene: FLNC (filamin C; plus strand). Cytogenetic location: 7q32.1.
Variant type: single nucleotide variant.
Coding change: c.913G>A on transcript NM_001458.5 (MANE Select); coding-DNA position 913, G replaced by A.
Protein change: p.Ala305Thr; replaces alanine 305 with threonine.
Molecular consequence: missense variant.
Genome position (GRCh38, 1-based): chr7:128,837,699, G>A. VCF-style: chr7-128837699-G-A. GRCh37 (hg19) VCF-style: chr7-128477753-G-A.
Other names: c.913G>A, p.Ala305Thr (NM_001127487.2); short protein forms A305T.
Identifiers: ClinVar variation 1015219 (VCV001015219.12), dbSNP rs1312282118, ClinGen allele CA369223090.
Genomic context (GRCh38, chr7:128,837,699, plus strand): 5'-ATCGAGCCACAGGGCAACACCGTGCTGCAGCCTGCCCACTTCACCGTGCAGACGGTGGAC[G>A]CGGGCGTGGGCGAGGTGCTGGTCTACATCGAGGACCCTGAAGGCCACACCGAGGAGGTAT-3'
Protein context (NP_001449.3, residues 295-315): PAHFTVQTVD[Ala305Thr]GVGEVLVYIE

ClinVar aggregate classification (germline): Uncertain significance. Review status: criteria provided, multiple submitters, no conflicts (2 of 4 stars). 2 submissions from 2 submitters: Uncertain significance (2). Last evaluated 2025-06-20.

Conditions:
Cardiovascular phenotype. Identifiers: MedGen CN230736.
Hypertrophic cardiomyopathy 26. Also called: Cardiomyopathy, familial hypertrophic, 26. Identifiers: Orphanet 75249, MedGen C4310749, MONDO:0014883, OMIM 617047.
Distal myopathy with posterior leg and anterior hand involvement. Also called: WILLIAMS DISTAL MYOPATHY. Identifiers: Orphanet 63273, MedGen C3279722, MONDO:0013550, OMIM 614065.
Myofibrillar myopathy 5. Also called: FILAMINOPATHY, AUTOSOMAL DOMINANT; Filaminopathy (type). Identifiers: Orphanet 171445, MedGen C1836050, MONDO:0012289, OMIM 609524.

Allele frequency attached by ClinVar (database versions not stated): gnomAD exomes 0.00001; TOPMed 0.00001.
gnomAD v4.1: 8 of 1,608,898 alleles (0.0005%); highest among the groups gnomAD compares: East Asian, 0.0022%; no homozygotes.

Submissions (2):

Ambry Genetics
Classification: Uncertain significance for Cardiovascular phenotype. Last evaluated: 2025-06-20. Review status: criteria provided, single submitter. Criteria: Ambry Variant Classification Scheme 2023. Collection method: clinical testing. Allele origin: germline.
Comment: The p.A305T variant (also known as c.913G>A), located in coding exon 5 of the FLNC gene, results from a G to A substitution at nucleotide position 913. The alanine at codon 305 is replaced by threonine, an amino acid with similar properties. This amino acid position is highly conserved in available vertebrate species. In addition, the in silico prediction for this alteration is inconclusive. Since supporting evidence is limited at this time, the clinical significance of this alteration remains unclear.

Labcorp Genetics (formerly Invitae), Labcorp
Classification: Uncertain significance for Distal myopathy with posterior leg and anterior hand involvement; Myofibrillar myopathy 5; Hypertrophic cardiomyopathy 26. Last evaluated: 2024-02-23. Review status: criteria provided, single submitter. Criteria: Invitae Variant Classification Sherloc (09022015). Collection method: clinical testing. Allele origin: germline.
Comment: This sequence change replaces alanine, which is neutral and non-polar, with threonine, which is neutral and polar, at codon 305 of the FLNC protein (p.Ala305Thr). This variant is not present in population databases (gnomAD no frequency). This variant has not been reported in the literature in individuals affected with FLNC-related conditions. ClinVar contains an entry for this variant (Variation ID: 1015219). Advanced modeling of protein sequence and biophysical properties (such as structural, functional, and spatial information, amino acid conservation, physicochemical variation, residue mobility, and thermodynamic stability) has been performed at Invitae for this missense variant, however the output from this modeling did not meet the statistical confidence thresholds required to predict the impact of this variant on FLNC protein function. In summary, the available evidence is currently insufficient to determine the role of this variant in disease. Therefore, it has been classified as a Variant of Uncertain Significance.